The following is an entry in ClinVar:

ClinVar aggregate classification (germline): Uncertain significance. Review status: criteria provided, multiple submitters, no conflicts (2 of 4 stars). 3 submissions from 3 submitters: Uncertain significance (2). 1 of the submissions does not count toward it. Last evaluated 2024-03-12.

Conditions:
PLEC-related disorder. Also called: PLEC-related disorders; PLEC-related condition.
Epidermolysis bullosa simplex 5B, with muscular dystrophy (EBS5B). Also called: EPIDERMOLYSIS BULLOSA SIMPLEX AND LIMB-GIRDLE MUSCULAR DYSTROPHY; Epidermolysis bullosa simplex with muscular dystrophy. Identifiers: Orphanet 257, MedGen C2931072, MONDO:0009181, OMIM 226670.
Epidermolysis bullosa simplex, Ogna type (EBS5A). Also called: Pidermolysis bullosa simplex 5A, Ogna type; EPIDERMOLYSIS BULLOSA SIMPLEX 5A, OGNA TYPE. Identifiers: Orphanet 79401, MedGen C0432317, MONDO:0007555, OMIM 131950.
Autosomal recessive limb-girdle muscular dystrophy type 2Q (LGMDR17). Also called: MUSCULAR DYSTROPHY, LIMB-GIRDLE, AUTOSOMAL RECESSIVE 17. Identifiers: Orphanet 254361, MedGen C3150989, MONDO:0013390, OMIM 613723.
Epidermolysis bullosa simplex with nail dystrophy (EBS5D). Identifiers: MedGen C4225309, MONDO:0014661, OMIM 616487.
Epidermolysis bullosa simplex 5C, with pyloric atresia (EBS5C). Also called: PLEC-Related Epidermolysis Bullosa with Pyloric Atresia; Epidermolysis bullosa simplex with pyloric atresia; PLEC1-Related Epidermolysis Bullosa with Pyloric Atresia. Identifiers: Orphanet 158684, MedGen C2677349, MONDO:0012807, OMIM 612138.

Allele frequency attached by ClinVar (database versions not stated): gnomAD 0.00002; TOPMed 0.00002.
gnomAD v4.1: 59 of 1,586,652 alleles (0.0037%); highest among the groups gnomAD compares: South Asian, 0.0056%; no homozygotes.

Submissions (3):

Labcorp Genetics (formerly Invitae), Labcorp
Classification: Uncertain significance for Autosomal recessive limb-girdle muscular dystrophy type 2Q; Epidermolysis bullosa simplex, Ogna type; Epidermolysis bullosa simplex with nail dystrophy; Epidermolysis bullosa simplex 5C, with pyloric atresia; Epidermolysis bullosa simplex 5B, with muscular dystrophy. Last evaluated: 2024-03-12. Review status: criteria provided, single submitter. Criteria: Invitae Variant Classification Sherloc (09022015). Collection method: clinical testing. Allele origin: germline.
Comment: This sequence change replaces arginine, which is basic and polar, with histidine, which is basic and polar, at codon 1214 of the PLEC protein (p.Arg1214His). This variant is present in population databases (rs782730877, gnomAD 0.02%). This variant has not been reported in the literature in individuals affected with PLEC-related conditions. ClinVar contains an entry for this variant (Variation ID: 580154). Advanced modeling of protein sequence and biophysical properties (such as structural, functional, and spatial information, amino acid conservation, physicochemical variation, residue mobility, and thermodynamic stability) performed at Invitae indicates that this missense variant is not expected to disrupt PLEC protein function with a negative predictive value of 80%. In summary, the available evidence is currently insufficient to determine the role of this variant in disease. Therefore, it has been classified as a Variant of Uncertain Significance.

Revvity Omics, Revvity
Classification: Uncertain significance. Last evaluated: 2020-06-23. Review status: criteria provided, single submitter. Criteria: ACMG Guidelines, 2015. Collection method: clinical testing. Allele origin: germline.

PreventionGenetics, part of Exact Sciences
Classification: Uncertain significance for PLEC-related condition. Last evaluated: 2024-07-27. Review status: no assertion criteria provided. Collection method: clinical testing. Allele origin: germline. Not counted in ClinVar's aggregate classification.
Comment: The PLEC c.3641G>A variant is predicted to result in the amino acid substitution p.Arg1214His. To our knowledge, this variant has not been reported in the literature. This variant is reported in 0.025% of alleles in individuals of East Asian descent in gnomAD. At this time, the clinical significance of this variant is uncertain due to the absence of conclusive functional and genetic evidence.

NM_201384.3(PLEC):c.3560G>A (p.Arg1187His)

Gene: PLEC (plectin; minus strand). Cytogenetic location: 8q24.3.
Variant type: single nucleotide variant.
Coding change: c.3560G>A on transcript NM_201384.3 (MANE Select); coding-DNA position 3560, G replaced by A.
Protein change: p.Arg1187His; replaces arginine 1187 with histidine.
Molecular consequence: missense variant.
Genome position (GRCh38, 1-based): chr8:143,927,606, C>T on the plus strand (G>A on the coding strand, the complement: PLEC is on the minus strand). VCF-style: chr8-143927606-C-T. GRCh37 (hg19) VCF-style: chr8-145001774-C-T.
Other names: c.3641G>A, p.Arg1214His (NM_000445.5); c.3518G>A, p.Arg1173His (NM_201378.4); c.3494G>A, p.Arg1165His (NM_201379.3); c.3971G>A, p.Arg1324His (NM_201380.4); c.3464G>A, p.Arg1155His (NM_201381.3); c.3560G>A, p.Arg1187His (NM_201382.4); c.3572G>A, p.Arg1191His (NM_201383.3); c.3641G>A (NM_000445.3); short protein forms R1173H, R1187H, R1324H, R1165H, R1155H, R1191H, R1214H.
Identifiers: ClinVar variation 580154 (VCV000580154.11), dbSNP rs782730877, ClinGen allele CA4927023.